The following is an entry in ClinVar:

NM_000053.4(ATP7B):c.2122-3C>T

Gene: ATP7B (ATPase copper transporting beta; minus strand). Cytogenetic location: 13q14.3.
Variant type: single nucleotide variant.
Coding change: c.2122-3C>T on transcript NM_000053.4 (MANE Select); 3 bases into the intron before coding-DNA position 2122, C replaced by T.
Molecular consequence: intron variant.
Genome position (GRCh38, 1-based): chr13:51,958,547, G>A on the plus strand (C>T on the coding strand, the complement: ATP7B is on the minus strand). VCF-style: chr13-51958547-G-A. GRCh37 (hg19) VCF-style: chr13-52532683-G-A.
Other names: c.1789-3C>T (NM_001243182.2); c.1870-940C>T (NM_001005918.3); c.1870-3C>T (NM_001330579.2); c.2122-940C>T (NM_001330578.2).
Identifiers: ClinVar variation 643583 (VCV000643583.17), dbSNP rs1593726901, ClinGen allele CA915948657.

ClinVar aggregate classification (germline): Conflicting classifications of pathogenicity. Review status: criteria provided, conflicting classifications (1 of 4 stars). 5 submissions from 5 submitters: Likely pathogenic (2); Uncertain significance (3). Last evaluated 2025-07-23.

Conditions:
Wilson disease (WND). Also called: Wilson's disease. Identifiers: Orphanet 905, MedGen C0019202, MONDO:0010200, OMIM 277900. Disease mechanism: loss of function.

Allele frequency attached by ClinVar (database versions not stated): gnomAD exomes 0.00002.
gnomAD v4.1: 23 of 1,613,338 alleles (0.0014%); highest among the groups gnomAD compares: Non-Finnish European, 0.002%; no homozygotes.

Submissions (5):

Women's Health and Genetics/Laboratory Corporation of America, LabCorp
Classification: Uncertain significance. Last evaluated: 2025-07-23. Review status: criteria provided, single submitter. Criteria: LabCorp Variant Classification Summary - May 2015. Collection method: clinical testing. Allele origin: germline.
Comment: Variant summary: ATP7B c.2122-3C>T alters a nucleotide located close to a canonical splice site and therefore could affect mRNA splicing, leading to a significantly altered protein sequence. Consensus agreement among computation tools predict no significant impact on normal splicing. However, these predictions have yet to be confirmed by functional studies. The variant was absent in 248710 control chromosomes. c.2122-3C>T has been observed in individuals affected with Wilson Disease (Nayagam_2023, internal data). These data indicate that the variant may be associated with disease. To our knowledge, no experimental evidence demonstrating an impact on protein function has been reported. The following publication has been ascertained in the context of this evaluation (PMID: 36096368). ClinVar contains an entry for this variant (Variation ID: 643583). Based on the evidence outlined above, the variant was classified as VUS-possibly pathogenic.

Color Diagnostics, LLC DBA Color Health
Classification: Uncertain significance for Wilson disease. Last evaluated: 2025-06-03. Review status: criteria provided, single submitter. Criteria: ACMG Guidelines, 2015. Collection method: clinical testing. Allele origin: germline.
Comment: This variant causes a C to T nucleotide substitution at the -3 position of intron 7/20 of the ATP7B gene. Splice prediction tools indicate this variant is unlikely to affect mRNA splicing. To our knowledge, functional studies have not been reported for this variant. This variant has been reported in a few individuals affected with autosomal recessive Wilson disease (PMID: 36096368ClinVar SCV000936868.7). At least one of these probands has been reported to be a biallelic carrier (ClinVar SCV000936868.7). This variant has not been identified in the general population by the Genome Aggregation Database (gnomAD). The available evidence is insufficient to determine the role of this variant in disease conclusively. Therefore, this variant is classified as a Variant of Uncertain Significance.

Fulgent Genetics
Classification: Likely pathogenic for Wilson disease. Last evaluated: 2024-06-04. Review status: criteria provided, single submitter. Criteria: ACMG Guidelines, 2015. Collection method: clinical testing. Allele origin: germline.

Labcorp Genetics (formerly Invitae), Labcorp
Classification: Likely pathogenic for Wilson disease. Last evaluated: 2023-01-08. Review status: criteria provided, single submitter. Criteria: Invitae Variant Classification Sherloc (09022015). Collection method: clinical testing. Allele origin: germline.
Comment: This sequence change falls in intron 7 of the ATP7B gene. It does not directly change the encoded amino acid sequence of the ATP7B protein. It affects a nucleotide within the consensus splice site. This variant is not present in population databases (gnomAD no frequency). This variant has been observed in individual(s) with Wilson disease (Invitae). In at least one individual the data is consistent with being in trans (on the opposite chromosome) from a pathogenic variant. ClinVar contains an entry for this variant (Variation ID: 643583). Variants that disrupt the consensus splice site are a relatively common cause of aberrant splicing (PMID: 17576681, 9536098). Algorithms developed to predict the effect of sequence changes on RNA splicing suggest that this variant is not likely to affect RNA splicing. In summary, the currently available evidence indicates that the variant is pathogenic, but additional data are needed to prove that conclusively. Therefore, this variant has been classified as Likely Pathogenic.

Genome-Nilou Lab
Classification: Uncertain significance for Wilson disease. Last evaluated: 2021-08-10. Review status: criteria provided, single submitter. Criteria: ACMG Guidelines, 2015. Collection method: clinical testing. Allele origin: germline. Affected: no.

Literature cited by the submitters: PubMed 36096368 (cited by Women's Health and Genetics/Laboratory Corporation of America, LabCorp and Color Diagnostics, LLC DBA Color Health); PubMed 17576681 (cited by Labcorp Genetics (formerly Invitae), Labcorp); PubMed 9536098 (cited by Labcorp Genetics (formerly Invitae), Labcorp).